The following is an entry in ClinVar:

NM_020738.4(KIDINS220):c.1099-7T>G

Gene: KIDINS220 (kinase D interacting substrate 220; minus strand). Cytogenetic location: 2p25.1.
Variant type: single nucleotide variant.
Coding change: c.1099-7T>G on transcript NM_020738.4 (MANE Select); 7 bases into the intron before coding-DNA position 1099, T replaced by G.
Molecular consequence: intron variant.
Genome position (GRCh38, 1-based): chr2:8,793,994, A>C on the plus strand (T>G on the coding strand, the complement: KIDINS220 is on the minus strand). VCF-style: chr2-8793994-A-C. GRCh37 (hg19) VCF-style: chr2-8934124-A-C.
Other names: c.1099-7T>G (NM_001348741.2, NM_001348738.2, NM_001348742.2 and 3 more transcripts); c.1102-7T>G (NM_001348739.2, NM_001348740.2, NM_001348734.2 and 3 more transcripts); c.973-7T>G (NM_001348736.2).
Identifiers: ClinVar variation 3355694 (VCV003355694.1).
Genomic context (GRCh38, chr2:8,793,994, plus strand): 5'-TGCCAGTTTCCGGCTCCTTCCACGAATAGCAATATGCAAGGGAGTATCTCCTTTCTGTAA[A>C]ATAATAGTACGAAACTTGAACTTTCTTATCTTTATATATAGTATGCAGACAGTAACAATT-3'

ClinVar aggregate classification (germline): Likely benign (0 of 4 stars; one submission).

Conditions:
KIDINS220-related disorder. Also called: KIDINS220-related condition.

gnomAD v4.1: 35 of 1,589,180 alleles (0.0022%); highest among the groups gnomAD compares: Non-Finnish European, 0.0027%; no homozygotes.

Submission:

PreventionGenetics, part of Exact Sciences
Classification: Likely benign for KIDINS220-related condition. Last evaluated: 2022-02-23. Review status: no assertion criteria provided. Collection method: clinical testing. Allele origin: germline.
Comment: This variant is classified as likely benign based on ACMG/AMP sequence variant interpretation guidelines (Richards et al. 2015 PMID: 25741868, with internal and published modifications).